The following is an entry in ClinVar:

ClinVar aggregate classification (germline): Uncertain significance (1 of 4 stars; one submission).

Conditions:
Inborn genetic diseases. Identifiers: MedGen C0950123, MeSH D030342.

gnomAD v4.1: 1 of 1,614,182 alleles (0.000062%); highest among the groups gnomAD compares: Non-Finnish European, 0.000085%; no homozygotes.

Submission:

Ambry Genetics
Classification: Uncertain significance for Inborn genetic diseases. Last evaluated: 2025-01-31. Review status: criteria provided, single submitter. Criteria: Ambry Variant Classification Scheme 2023. Collection method: clinical testing. Allele origin: germline.
Comment: The p.Q1072E variant (also known as c.3214C>G), located in coding exon 32 of the FANCA gene, results from a C to G substitution at nucleotide position 3214. The glutamine at codon 1072 is replaced by glutamic acid, an amino acid with highly similar properties. This amino acid position is conserved. In addition, this alteration is predicted to be tolerated by in silico analysis. Based on the available evidence, the clinical significance of this variant remains unclear.

NM_000135.4(FANCA):c.3214C>G (p.Gln1072Glu)

Gene: FANCA (FA complementation group A; minus strand). Cytogenetic location: 16q24.3.
Variant type: single nucleotide variant.
Coding change: c.3214C>G on transcript NM_000135.4 (MANE Select); coding-DNA position 3214, C replaced by G.
Protein change: p.Gln1072Glu; replaces glutamine 1072 with glutamic acid.
Molecular consequence: missense variant.
Genome position (GRCh38, 1-based): chr16:89,749,755, G>C on the plus strand (C>G on the coding strand, the complement: FANCA is on the minus strand). VCF-style: chr16-89749755-G-C. GRCh37 (hg19) VCF-style: chr16-89816163-G-C.
Other names: c.3214C>G, p.Gln1072Glu (NM_001286167.3); short protein forms Q1072E.
Identifiers: ClinVar variation 3848164 (VCV003848164.1).